The following is an entry in ClinVar:

NM_139276.3(STAT3):c.*1383G>C

Gene: STAT3 (signal transducer and activator of transcription 3; minus strand). Cytogenetic location: 17q21.2.
Variant type: single nucleotide variant.
Coding change: c.*1383G>C on transcript NM_139276.3 (MANE Select); 1383 bases downstream of the stop codon, G replaced by C.
Molecular consequence: 3 prime UTR variant.
Genome position (GRCh38, 1-based): chr17:42,314,362, C>G on the plus strand (G>C on the coding strand, the complement: STAT3 is on the minus strand). VCF-style: chr17-42314362-C-G. GRCh37 (hg19) VCF-style: chr17-40466380-C-G.
Other names: c.*1383G>C (NM_001369512.1, NM_001369513.1, NM_001369514.1 and 10 more transcripts); c.*1477G>C (NM_001369517.1, NM_001369518.1, NM_001369519.1 and 4 more transcripts).
Identifiers: ClinVar variation 323222 (VCV000323222.5), dbSNP rs183293865, ClinGen allele CA10645656.

ClinVar aggregate classification (germline): Benign (1 of 4 stars; one submission).

Conditions:
Hyper-IgE recurrent infection syndrome 1, autosomal dominant. Also called: HYPER-IgE SYNDROME 1, AUTOSOMAL DOMINANT, WITH RECURRENT INFECTIONS; JOB SYNDROME; Job's Syndrome; STAT3 Hyper IgE Syndrome; Hyper-IgE recurrent infection syndrome 1. Identifiers: Orphanet 2314, MedGen C2936739, MONDO:0007818, OMIM 147060.

Allele frequency attached by ClinVar (database versions not stated): 1000 Genomes Project 30x 0.00297; 1000 Genomes Project 0.00300; gnomAD 0.00355 and 0.00366; TOPMed 0.00408; gnomAD exomes 0.00426.
gnomAD v4.1: 889 of 232,914 alleles (0.38%); highest among the groups gnomAD compares: Admixed American, 0.64%; 2 homozygotes.

Submission:

Illumina Laboratory Services, Illumina
Classification: Benign for Hyper-IgE recurrent infection syndrome 1, autosomal dominant. Last evaluated: 2018-01-13. Review status: criteria provided, single submitter. Criteria: ICSL Variant Classification Criteria 13 December 2019. Collection method: clinical testing. Allele origin: germline.
Comment: This variant was observed in the ICSL laboratory as part of a predisposition screen in an ostensibly healthy population. It had not been previously curated by ICSL or reported in the Human Gene Mutation Database (HGMD: prior to June 1st, 2018), and was therefore a candidate for classification through an automated scoring system. Utilizing variant allele frequency, disease prevalence and penetrance estimates, and inheritance mode, an automated score was calculated to assess if this variant is too frequent to cause the disease. Based on the score and internal cut-off values, a variant classified as benign is not then subjected to further curation. The score for this variant resulted in a classification of benign for this disease.